The following is an entry in ClinVar:

NM_005444.3(CNOT9):c.608A>G (p.Tyr203Cys)

Gene: CNOT9 (CCR4-NOT transcription complex subunit 9; plus strand). Cytogenetic location: 2q35.
Variant type: single nucleotide variant.
Coding change: c.608A>G on transcript NM_005444.3 (MANE Select); coding-DNA position 608, A replaced by G.
Protein change: p.Tyr203Cys; replaces tyrosine 203 with cysteine.
Molecular consequence: missense variant. On other transcripts: non-coding transcript variant (1).
Genome position (GRCh38, 1-based): chr2:218,592,371, A>G. VCF-style: chr2-218592371-A-G. GRCh37 (hg19) VCF-style: chr2-219457094-A-G.
Other names: c.704A>G, p.Tyr235Cys (NM_001271634.2); c.608A>G, p.Tyr203Cys (NM_001271635.2); short protein forms Y203C, Y235C.
Identifiers: ClinVar variation 3369013 (VCV003369013.1).
Genomic context (GRCh38, chr2:218,592,371, plus strand): 5'-CATTCATCCTCCAGAAGATCTTGTTAGATGACACTGGTTTGGCTTATATATGTCAGACGT[A>G]TGAGCGTTTCTCCCATGTTGCCATGATCTTGGTGAGTTCTTTCATCTATCCCCTTTACAA-3'
Protein context (NP_005435.1, residues 193-213): DTGLAYICQT[Tyr203Cys]ERFSHVAMIL

ClinVar aggregate classification (germline): Uncertain significance (1 of 4 stars; one submission).

Submission:

GeneDx
Classification: Uncertain significance. Last evaluated: 2024-02-12. Review status: criteria provided, single submitter. Criteria: GeneDx Variant Classification Process June 2021. Collection method: clinical testing. Allele origin: germline. Affected: yes.
Comment: Not observed at significant frequency in large population cohorts (gnomAD); In silico analysis supports that this missense variant has a deleterious effect on protein structure/function; Has not been previously published as pathogenic or benign to our knowledge